The following is an entry in ClinVar:

ClinVar aggregate classification (germline): Uncertain significance (1 of 4 stars; one submission).

Allele frequency attached by ClinVar (database versions not stated): TOPMed 0.00001.
gnomAD v4.1: 12 of 1,604,900 alleles (0.00075%); highest among the groups gnomAD compares: Admixed American, 0.0034%; no homozygotes.

Submission:

Labcorp Genetics (formerly Invitae), Labcorp
Classification: Uncertain significance. Last evaluated: 2022-07-23. Review status: criteria provided, single submitter. Criteria: Invitae Variant Classification Sherloc (09022015). Collection method: clinical testing. Allele origin: germline.
Comment: In summary, the available evidence is currently insufficient to determine the role of this variant in disease. Therefore, it has been classified as a Variant of Uncertain Significance. Algorithms developed to predict the effect of missense changes on protein structure and function are either unavailable or do not agree on the potential impact of this missense change (SIFT: "Deleterious"; PolyPhen-2: "Probably Damaging"; Align-GVGD: "Class C0"). This variant has not been reported in the literature in individuals affected with NUP205-related conditions. This variant is present in population databases (rs370766991, gnomAD 0.003%). This sequence change replaces arginine, which is basic and polar, with proline, which is neutral and non-polar, at codon 1179 of the NUP205 protein (p.Arg1179Pro).

NM_015135.3(NUP205):c.3536G>C (p.Arg1179Pro)

Gene: NUP205 (nucleoporin 205; plus strand). Cytogenetic location: 7q33.
Variant type: single nucleotide variant.
Coding change: c.3536G>C on transcript NM_015135.3 (MANE Select); coding-DNA position 3536, G replaced by C.
Protein change: p.Arg1179Pro; replaces arginine 1179 with proline.
Molecular consequence: missense variant.
Genome position (GRCh38, 1-based): chr7:135,617,093, G>C. VCF-style: chr7-135617093-G-C. GRCh37 (hg19) VCF-style: chr7-135301841-G-C.
Other names: c.2462G>C, p.Arg821Pro (NM_001329434.2); short protein forms R1179P, R821P.
Identifiers: ClinVar variation 1926127 (VCV001926127.5), dbSNP rs370766991, ClinGen allele CA4498651.